The following is an entry in ClinVar:

ClinVar aggregate classification (germline): Uncertain significance (1 of 4 stars; one submission).

Submission:

GeneDx
Classification: Uncertain significance. Last evaluated: 2024-07-12. Review status: criteria provided, single submitter. Criteria: GeneDx Variant Classification Process June 2021. Collection method: clinical testing. Allele origin: germline. Affected: yes.
Comment: Not observed at significant frequency in large population cohorts (gnomAD); In silico analysis supports that this missense variant has a deleterious effect on protein structure/function; Has not been previously published as pathogenic or benign to our knowledge

NM_012330.4(KAT6B):c.5032G>A (p.Glu1678Lys)

Gene: KAT6B (lysine acetyltransferase 6B; plus strand). Cytogenetic location: 10q22.2.
Variant type: single nucleotide variant.
Coding change: c.5032G>A on transcript NM_012330.4 (MANE Select); coding-DNA position 5032, G replaced by A.
Protein change: p.Glu1678Lys; replaces glutamic acid 1678 with lysine.
Molecular consequence: missense variant.
Genome position (GRCh38, 1-based): chr10:75,029,856, G>A. VCF-style: chr10-75029856-G-A. GRCh37 (hg19) VCF-style: chr10-76789614-G-A.
Other names: c.4483G>A, p.Glu1495Lys (NM_001256468.2, NM_001370138.1); c.4156G>A, p.Glu1386Lys (NM_001256469.2, NM_001370139.1, NM_001370140.1 and 2 more transcripts); c.3994G>A, p.Glu1332Lys (NM_001370132.1); c.3343G>A, p.Glu1115Lys (NM_001370133.1); c.2947G>A, p.Glu983Lys (NM_001370134.1); c.2689G>A, p.Glu897Lys (NM_001370135.1); c.5032G>A, p.Glu1678Lys (NM_001370136.1, NM_001370137.1); c.3967G>A, p.Glu1323Lys (NM_001370143.1, NM_001370144.1); short protein forms E1115K, E983K, E1386K, E1495K, E1323K, E1332K, E1678K, E897K.
Identifiers: ClinVar variation 3572452 (VCV003572452.1).